The following is an entry in ClinVar:

NM_001148.6(ANK2):c.5684C>T (p.Ser1895Phe)

Genes: ANK2 (ankyrin 2; plus strand), LOC126807136 (MED14-independent group 3 enhancer GRCh37_chr4:114274931-114276130; plus strand). Cytogenetic location: 4q26.
Variant type: single nucleotide variant.
Coding change: c.5684C>T on transcript NM_001148.6 (MANE Select); coding-DNA position 5684, C replaced by T.
Protein change: p.Ser1895Phe; replaces serine 1895 with phenylalanine.
Molecular consequence: missense variant. On other transcripts: intron variant (68).
Genome position (GRCh38, 1-based): chr4:113,354,302, C>T. VCF-style: chr4-113354302-C-T. GRCh37 (hg19) VCF-style: chr4-114275458-C-T.
Other names: c.5450C>T, p.Ser1817Phe (NM_001386142.1); c.2084C>T, p.Ser695Phe (NM_001386166.1); c.5825C>T, p.Ser1942Phe (NM_001386174.1); c.5801C>T, p.Ser1934Phe (NM_001386175.1); c.4411+4053C>T (NM_001386186.2, NM_001386148.2); c.4213+4053C>T (NM_001354269.3); c.4291+4053C>T (NM_001386187.2); c.4252+4053C>T (NM_001386147.1); and 35 more; short protein forms S1817F, S1895F, S1934F, S1942F, S695F.
Identifiers: ClinVar variation 3220985 (VCV003220985.1), dbSNP rs2505419254, ClinGen allele CA357920895.

ClinVar aggregate classification (germline): Uncertain significance (1 of 4 stars; one submission).

Conditions:
Cardiovascular phenotype. Identifiers: MedGen CN230736.

Submission:

Ambry Genetics
Classification: Uncertain significance for Cardiovascular phenotype. Last evaluated: 2023-11-14. Review status: criteria provided, single submitter. Criteria: Ambry Variant Classification Scheme 2023. Collection method: clinical testing. Allele origin: germline.
Comment: The p.S1895F variant (also known as c.5684C>T), located in coding exon 38 of the ANK2 gene, results from a C to T substitution at nucleotide position 5684. The serine at codon 1895 is replaced by phenylalanine, an amino acid with highly dissimilar properties. This amino acid position is conserved. In addition, this alteration is predicted to be tolerated by in silico analysis. Since supporting evidence is limited at this time, the clinical significance of this alteration remains unclear.